The following is an entry in ClinVar:

ClinVar aggregate classification (germline): Likely pathogenic (1 of 4 stars; one submission).

Submission:

GeneDx
Classification: Likely pathogenic. Last evaluated: 2016-10-01. Review status: criteria provided, single submitter. Criteria: GeneDx Variant Classification (06012015). Collection method: clinical testing. Allele origin: germline. Affected: yes.
Comment: The P549L variant in the BICD2 gene has not been reported previously as a pathogenic variant, nor as a benign variant, to our knowledge. The P549L variant was not observed in approximately 6500 individuals of European and African American ancestry in the NHLBI Exome Sequencing Project, indicating it is not a common benign variant in these populations. The P549L variant is a semi-conservative amino acid substitution, which may impact secondary protein structure as these residues differ in some properties. This substitution occurs at a position that is conserved across species, and in silico analysis predicts this variant is probably damaging to the protein structure/function. The P549L variant is a strong candidate for a pathogenic variant

NM_001003800.2(BICD2):c.1646C>T (p.Pro549Leu)

Gene: BICD2 (BICD cargo adaptor 2; minus strand). Cytogenetic location: 9q22.31.
Variant type: single nucleotide variant.
Coding change: c.1646C>T on transcript NM_001003800.2 (MANE Select); coding-DNA position 1646, C replaced by T.
Protein change: p.Pro549Leu; replaces proline 549 with leucine.
Molecular consequence: missense variant.
Genome position (GRCh38, 1-based): chr9:92,718,999, G>A on the plus strand (C>T on the coding strand, the complement: BICD2 is on the minus strand). VCF-style: chr9-92718999-G-A. GRCh37 (hg19) VCF-style: chr9-95481281-G-A.
Other names: c.1646C>T, p.Pro549Leu (NM_015250.4); short protein forms P549L.
Identifiers: ClinVar variation 422412 (VCV000422412.2), dbSNP rs1064795764, ClinGen allele CA16618868.